The following is an entry in ClinVar:

NM_004656.4(BAP1):c.961G>T (p.Ala321Ser)

Gene: BAP1 (BRCA1 associated deubiquitinase 1; minus strand). Cytogenetic location: 3p21.1.
Variant type: single nucleotide variant.
Coding change: c.961G>T on transcript NM_004656.4 (MANE Select); coding-DNA position 961, G replaced by T.
Protein change: p.Ala321Ser; replaces alanine 321 with serine.
Molecular consequence: missense variant.
Genome position (GRCh38, 1-based): chr3:52,405,265, C>A on the plus strand (G>T on the coding strand, the complement: BAP1 is on the minus strand). VCF-style: chr3-52405265-C-A. GRCh37 (hg19) VCF-style: chr3-52439281-C-A.
Other names: short protein forms A321S.
Identifiers: ClinVar variation 659756 (VCV000659756.11), dbSNP rs143891879, ClinGen allele CA353106221.

ClinVar aggregate classification (germline): Conflicting classifications of pathogenicity. Review status: criteria provided, conflicting classifications (1 of 4 stars). 2 submissions from 2 submitters: Uncertain significance (1); Likely benign (1). Last evaluated 2025-03-06.

Conditions:
BAP1-related tumor predisposition syndrome (TPDS1). Also called: BAP1 tumor predisposition syndrome; COMMON Syndrome; Tumor susceptibility linked to germline BAP1 mutations; TUMOR PREDISPOSITION SYNDROME 1. Identifiers: Orphanet 289539, MedGen C3280492, MONDO:0013692, OMIM 614327.
Hereditary cancer-predisposing syndrome. Also called: Hereditary neoplastic syndrome; Neoplastic Syndromes, Hereditary; Hereditary Cancer Syndrome; Tumor predisposition. Identifiers: Orphanet 140162, MedGen C0027672, MeSH D009386, MONDO:0015356.

Allele frequency attached by ClinVar (database versions not stated): TOPMed below 0.00001.

Submissions (2):

Ambry Genetics
Classification: Likely benign for Hereditary cancer-predisposing syndrome. Last evaluated: 2025-03-06. Review status: criteria provided, single submitter. Criteria: Ambry Variant Classification Scheme 2023. Collection method: clinical testing. Allele origin: germline.

Labcorp Genetics (formerly Invitae), Labcorp
Classification: Uncertain significance for BAP1-related tumor predisposition syndrome. Last evaluated: 2024-08-31. Review status: criteria provided, single submitter. Criteria: Invitae Variant Classification Sherloc (09022015). Collection method: clinical testing. Allele origin: germline.
Comment: This sequence change replaces alanine, which is neutral and non-polar, with serine, which is neutral and polar, at codon 321 of the BAP1 protein (p.Ala321Ser). This variant is not present in population databases (gnomAD no frequency). This variant has not been reported in the literature in individuals affected with BAP1-related conditions. ClinVar contains an entry for this variant (Variation ID: 659756). Invitae Evidence Modeling of protein sequence and biophysical properties (such as structural, functional, and spatial information, amino acid conservation, physicochemical variation, residue mobility, and thermodynamic stability) indicates that this missense variant is not expected to disrupt BAP1 protein function with a negative predictive value of 80%. In summary, the available evidence is currently insufficient to determine the role of this variant in disease. Therefore, it has been classified as a Variant of Uncertain Significance.